The following is an entry in ClinVar:

ClinVar aggregate classification (germline): Uncertain significance (1 of 4 stars; one submission).

Allele frequency attached by ClinVar (database versions not stated): ExAC 0.00002; gnomAD 0.00002; TOPMed 0.00002; ESP Exome Variant Server 0.00008; gnomAD exomes 0.00001.
gnomAD v4.1: 18 of 1,613,146 alleles (0.0011%); highest among the groups gnomAD compares: East Asian, 0.0045%; no homozygotes.

Submission:

Labcorp Genetics (formerly Invitae), Labcorp
Classification: Uncertain significance. Last evaluated: 2026-01-05. Review status: criteria provided, single submitter. Criteria: Invitae Variant Classification Sherloc (09022015). Collection method: clinical testing. Allele origin: germline.
Comment: This sequence change replaces arginine, which is basic and polar, with glutamine, which is neutral and polar, at codon 365 of the DHX37 protein (p.Arg365Gln). This variant is present in population databases (rs369260098, gnomAD 0.01%). This variant has not been reported in the literature in individuals affected with DHX37-related conditions. ClinVar contains an entry for this variant (Variation ID: 2878031). Invitae Evidence Modeling of protein sequence and biophysical properties (such as structural, functional, and spatial information, amino acid conservation, physicochemical variation, residue mobility, and thermodynamic stability) indicates that this missense variant is not expected to disrupt DHX37 protein function with a negative predictive value of 80%. In summary, the available evidence is currently insufficient to determine the role of this variant in disease. Therefore, it has been classified as a Variant of Uncertain Significance.

NM_032656.4(DHX37):c.1094G>A (p.Arg365Gln)

Gene: DHX37 (DEAH-box helicase 37; minus strand). Cytogenetic location: 12q24.31.
Variant type: single nucleotide variant.
Coding change: c.1094G>A on transcript NM_032656.4 (MANE Select); coding-DNA position 1094, G replaced by A.
Protein change: p.Arg365Gln; replaces arginine 365 with glutamine.
Molecular consequence: missense variant.
Genome position (GRCh38, 1-based): chr12:124,971,399, C>T on the plus strand (G>A on the coding strand, the complement: DHX37 is on the minus strand). VCF-style: chr12-124971399-C-T. GRCh37 (hg19) VCF-style: chr12-125455945-C-T.
Other names: short protein forms R365Q.
Identifiers: ClinVar variation 2878031 (VCV002878031.2), dbSNP rs369260098, ClinGen allele CA6872208.